The following is an entry in ClinVar:

NM_001035.3(RYR2):c.12859T>A (p.Tyr4287Asn)

Genes: RYR2 (ryanodine receptor 2; plus strand), LOC126806068 (BRD4-independent group 4 enhancer GRCh37_chr1:237947411-237948610; plus strand). Cytogenetic location: 1q43.
Variant type: single nucleotide variant.
Coding change: c.12859T>A on transcript NM_001035.3 (MANE Select); coding-DNA position 12859, T replaced by A.
Protein change: p.Tyr4287Asn; replaces tyrosine 4287 with asparagine.
Molecular consequence: missense variant.
Genome position (GRCh38, 1-based): chr1:237,784,571, T>A. VCF-style: chr1-237784571-T-A. GRCh37 (hg19) VCF-style: chr1-237947871-T-A.
Other names: short protein forms Y4287N.
Identifiers: ClinVar variation 4756784 (VCV004756784.1).
Genomic context (GRCh38, chr1:237,784,571, plus strand): 5'-CAGATGAAAAAAGTAAAAAAGATGACCGTGAAGGACATGGTCACGGCCTTCTTTTCATCC[T>A]ACTGGAGTATTTTCATGACCCTCTTGCACTTCGTGGCCAGCGTTTTCAGAGGCTTTTTCC-3'
Protein context (NP_001026.2, residues 4277-4297): KDMVTAFFSS[Tyr4287Asn]WSIFMTLLHF

ClinVar aggregate classification (germline): Uncertain significance (1 of 4 stars; one submission).

Conditions:
Cardiomyopathy (CMYO). Also called: Cardiomyopathies. Identifiers: Orphanet 167848, MedGen C0878544, MONDO:0004994, HP:0001638. Inheritance: Various modes of inheritance.

gnomAD v4.1: 3 of 1,613,992 alleles (0.00019%); highest among the groups gnomAD compares: Admixed American, 0.005%; no homozygotes.

Submission:

Color Diagnostics, LLC DBA Color Health
Classification: Uncertain significance for Cardiomyopathy. Last evaluated: 2025-05-12. Review status: criteria provided, single submitter. Criteria: ACMG Guidelines, 2015. Collection method: clinical testing. Allele origin: germline.
Comment: This missense variant replaces tyrosine with asparagine at codon 4287 of the RYR2 protein. Computational prediction is inconclusive regarding the impact of this variant on protein structure and function. To our knowledge, functional studies have not been reported for this variant. This variant has not been reported in individuals affected with RYR2-related disorders in the literature. This variant has been identified in 3/248736 chromosomes in the general population by the Genome Aggregation Database (gnomAD). The available evidence is insufficient to determine the role of this variant in disease conclusively. Therefore, this variant is classified as a Variant of Uncertain Significance.